The following is an entry in ClinVar:

ClinVar aggregate classification (germline): Conflicting classifications of pathogenicity. Review status: criteria provided, conflicting classifications (1 of 4 stars). 4 submissions from 4 submitters: Uncertain significance (2); Likely benign (1). 1 of the submissions does not count toward it. Last evaluated 2026-04-30.

Conditions:
Breast-ovarian cancer, familial, susceptibility to, 1 (BROVCA1). Also called: BRCA1 Hereditary Breast and Ovarian Cancer; OVARIAN CANCER, SUSCEPTIBILITY TO. Identifiers: Orphanet 145, MedGen C2676676, MONDO:0011450, OMIM 604370. Disease mechanism: loss of function.
Hereditary cancer-predisposing syndrome. Also called: Hereditary Cancer Syndrome; Neoplastic Syndromes, Hereditary; Hereditary neoplastic syndrome; Tumor predisposition. Identifiers: Orphanet 140162, MedGen C0027672, MeSH D009386, MONDO:0015356.
Hereditary breast ovarian cancer syndrome. Also called: Hereditary breast and/or ovarian cancer syndrome; Hereditary breast and ovarian cancer syndrome; Hereditary breast and ovarian cancer; Hereditary breast and ovarian cancer syndrome (HBOC); Breast and ovarian cancer; BRCA1- and BRCA2-Associated Hereditary Breast and Ovarian Cancer. Identifiers: Orphanet 145, MedGen C0677776, MeSH D061325, MONDO:0003582. Disease mechanism: loss of function.

Allele frequency attached by ClinVar (database versions not stated): gnomAD 0.00001.
gnomAD v4.1: 1 of 1,613,128 alleles (0.000062%); highest among the groups gnomAD compares: East Asian, 0.0022%; no homozygotes.

Submissions (4):

Myriad Genetics, Inc.
Classification: Likely benign for Breast-ovarian cancer, familial, susceptibility to, 1. Last evaluated: 2026-04-30. Review status: criteria provided, single submitter. Criteria: Myriad Autosomal Dominant, Autosomal Recessive and X-Linked Classification Criteria (2023). Collection method: clinical testing. Allele origin: unknown.
Comment: This variant is considered likely benign. This variant is strongly associated with less severe personal and family histories of cancer, typical for individuals without pathogenic variants in this gene [PMID: 25085752].

Labcorp Genetics (formerly Invitae), Labcorp
Classification: Uncertain significance for Hereditary breast ovarian cancer syndrome. Last evaluated: 2025-01-23. Review status: criteria provided, single submitter. Criteria: Invitae Variant Classification Sherloc (09022015). Collection method: clinical testing. Allele origin: germline.
Comment: This sequence change replaces serine, which is neutral and polar, with cysteine, which is neutral and slightly polar, at codon 220 of the BRCA1 protein (p.Ser220Cys). This variant is present in population databases (rs431825418, gnomAD 0.06%). This variant has not been reported in the literature in individuals affected with BRCA1-related conditions. ClinVar contains an entry for this variant (Variation ID: 96953). Invitae Evidence Modeling of protein sequence and biophysical properties (such as structural, functional, and spatial information, amino acid conservation, physicochemical variation, residue mobility, and thermodynamic stability) indicates that this missense variant is expected to disrupt BRCA1 protein function with a positive predictive value of 80%. Studies have shown this missense change is associated with skipping of exon 9 or exons 8-9, but one or more of the resulting mRNA isoform(s) may be naturally occurring (internal data). In summary, the available evidence is currently insufficient to determine the role of this variant in disease. Therefore, it has been classified as a Variant of Uncertain Significance.

Ambry Genetics
Classification: Uncertain significance for Hereditary cancer-predisposing syndrome. Last evaluated: 2024-09-22. Review status: criteria provided, single submitter. Criteria: Ambry Variant Classification Scheme 2023. Collection method: clinical testing. Allele origin: germline.
Comment: The p.S220C variant (also known as c.659C>G), located in coding exon 8 of the BRCA1 gene, results from a C to G substitution at nucleotide position 659. The serine at codon 220 is replaced by cysteine, an amino acid with dissimilar properties. This amino acid position is poorly conserved in available vertebrate species. In addition, this alteration is predicted to be tolerated by BayesDel in silico analysis. Since supporting evidence is limited at this time, the clinical significance of this alteration remains unclear.

Sharing Clinical Reports Project (SCRP)
Classification: Uncertain significance for Breast-ovarian cancer, familial 1. Last evaluated: 2008-10-14. Review status: no assertion criteria provided. Collection method: clinical testing. Allele origin: germline. Not counted in ClinVar's aggregate classification.

Literature cited by the submitters: PubMed 25085752 (cited by Myriad Genetics, Inc.).

NM_007294.4(BRCA1):c.659C>G (p.Ser220Cys)

Gene: BRCA1 (BRCA1 DNA repair associated; minus strand). Cytogenetic location: 17q21.31.
Variant type: single nucleotide variant.
Coding change: c.659C>G on transcript NM_007294.4 (MANE Select); coding-DNA position 659, C replaced by G.
Protein change: p.Ser220Cys; replaces serine 220 with cysteine.
Molecular consequence: missense variant. On other transcripts: non-coding transcript variant (1).
Genome position (GRCh38, 1-based): chr17:43,095,857, G>C on the plus strand (C>G on the coding strand, the complement: BRCA1 is on the minus strand). VCF-style: chr17-43095857-G-C. GRCh37 (hg19) VCF-style: chr17-41247874-G-C.
Other names: 778C>G; c.446C>G, p.Ser149Cys (NM_001407916.1, NM_001407917.1, NM_001407918.1 and 12 more transcripts); c.518C>G, p.Ser173Cys (NM_001407942.1, NM_001407944.1, NM_001407945.1 and 43 more transcripts); c.515C>G, p.Ser172Cys (NM_001407943.1, NM_001407964.1, NM_001408462.1 and 26 more transcripts); c.278C>G, p.Ser93Cys (NM_001407959.1, NM_001407960.1, NM_001407963.1 and 1 more transcripts); c.275C>G, p.Ser92Cys (NM_001407962.1); c.659C>G, p.Ser220Cys (NM_001407968.1, NM_001407969.1, NM_001407970.1 and 59 more transcripts); c.656C>G, p.Ser219Cys (NM_001407972.1, NM_001407984.1, NM_001407985.1 and 41 more transcripts); and 5 more; short protein forms S220C, S173C, S194C, S217C, S219C, S93C, S150C, S172C.
Identifiers: ClinVar variation 96953 (VCV000096953.15), dbSNP rs431825418, ClinGen allele CA003778.
Genomic context (GRCh38, chr17:43,095,857, plus strand): 5'-TACCCACTCTCTTTTCAGTGCCTGTTAAGTTGGCAAACTTTGCCATTACCCTTTTTTGCA[G>C]AATCCAAACTGATTTCATCCCTGGTTCCTTGAGGGGTGATTTGTAACAATTCTTGATCTC-3'
Protein context (NP_009225.1, residues 210-230): QGTRDEISLD[Ser220Cys]AKKAACEFSE